The following is an entry in ClinVar:

Conditions:
Breast-ovarian cancer, familial, susceptibility to, 1 (BROVCA1). Also called: BRCA1 Hereditary Breast and Ovarian Cancer; OVARIAN CANCER, SUSCEPTIBILITY TO. Identifiers: Orphanet 145, MedGen C2676676, MONDO:0011450, OMIM 604370. Disease mechanism: loss of function.

Submission:

Brotman Baty Institute, University of Washington
No classification provided (evidence only). Condition: Breast-ovarian cancer, familial 1. Review status: no classification provided. Collection method: in vitro. Allele origin: not applicable. Functional consequence: function_uncertain_variant.
ClinVar note: "not provided" was previously submitted as the classification for the variant. However, the classification appeared to be based only on an observation of functional data so it was converted to no classification on 2025-07-30.

NM_007294.4(BRCA1):c.279T>A (p.Phe93Leu)

Gene: BRCA1 (BRCA1 DNA repair associated; minus strand). Cytogenetic location: 17q21.31.
Variant type: single nucleotide variant.
Coding change: c.279T>A on transcript NM_007294.4 (MANE Select); coding-DNA position 279, T replaced by A.
Protein change: p.Phe93Leu; replaces phenylalanine 93 with leucine.
Molecular consequence: missense variant. On other transcripts: non-coding transcript variant (1).
Genome position (GRCh38, 1-based): chr17:43,104,890, A>T on the plus strand (T>A on the coding strand, the complement: BRCA1 is on the minus strand). VCF-style: chr17-43104890-A-T. GRCh37 (hg19) VCF-style: chr17-41256907-A-T.
Other names: c.69T>A, p.Phe23Leu (NM_001407571.1, NM_001407853.1, NM_001407879.1 and 58 more transcripts); c.279T>A, p.Phe93Leu (NM_001407581.1, NM_001407582.1, NM_001407583.1 and 168 more transcripts); c.201T>A, p.Phe67Leu (NM_001407653.1, NM_001407654.1, NM_001407655.1 and 21 more transcripts); c.138T>A, p.Phe46Leu (NM_001407692.1, NM_001407694.1, NM_001407695.1 and 99 more transcripts); c.-103T>A (NM_001407959.1, NM_001407960.1, NM_001407962.1 and 4 more transcripts); c.147T>A, p.Phe49Leu (NM_001408451.1); short protein forms F46L, F93L, F23L, F49L, F67L.
Identifiers: ClinVar variation 865362 (VCV000865362.3), dbSNP rs2054676882, ClinGen allele CA10601597.